The following is an entry in ClinVar:

NM_001903.5(CTNNA1):c.803C>G (p.Ser268Ter)

Gene: CTNNA1 (catenin alpha 1; plus strand). Cytogenetic location: 5q31.2.
Variant type: single nucleotide variant.
Coding change: c.803C>G on transcript NM_001903.5 (MANE Select); coding-DNA position 803, C replaced by G.
Protein change: p.Ser268Ter; replaces serine 268 with a stop codon.
Molecular consequence: nonsense.
Genome position (GRCh38, 1-based): chr5:138,824,744, C>G. VCF-style: chr5-138824744-C-G. GRCh37 (hg19) VCF-style: chr5-138160433-C-G.
Other names: c.803C>G, p.Ser268Ter (NM_001290307.3, NM_001323982.2, NM_001323983.1 and 3 more transcripts); c.494C>G, p.Ser165Ter (NM_001290309.3); c.434C>G, p.Ser145Ter (NM_001290310.3); short protein forms S165*, S268*, S145*.
Identifiers: ClinVar variation 3270081 (VCV003270081.5).
Genomic context (GRCh38, chr5:138,824,744, plus strand): 5'-TGCAGCAGGCGGTCACAGGCATTTCCAATGCAGCCCAGGCCACTGCCTCAGACGATGCCT[C>G]ACAGCACCAGGGTGGAGGAGGAGGAGAACTGGCATATGCACTCAATAACTTTGACGTAAG-3'

ClinVar aggregate classification (germline): Pathogenic. Review status: criteria provided, multiple submitters, no conflicts (2 of 4 stars). 3 submissions from 3 submitters: Pathogenic (3). Last evaluated 2025-09-03.

Conditions:
Hereditary cancer-predisposing syndrome. Also called: Neoplastic Syndromes, Hereditary; Hereditary neoplastic syndrome; Tumor predisposition; Hereditary Cancer Syndrome. Identifiers: Orphanet 140162, MedGen C0027672, MeSH D009386, MONDO:0015356.
Hereditary diffuse gastric adenocarcinoma (HDGC). Also called: DIFFUSE GASTRIC AND LOBULAR BREAST CANCER SYNDROME. Identifiers: Orphanet 26106, MedGen C1708349, MONDO:0007648, OMIM 137215.

Submissions (3):

Myriad Genetics, Inc.
Classification: Pathogenic for Hereditary diffuse gastric adenocarcinoma. Last evaluated: 2025-09-03. Review status: criteria provided, single submitter. Criteria: Myriad Autosomal Dominant, Autosomal Recessive and X-Linked Classification Criteria (2023). Collection method: clinical testing. Allele origin: unknown.
Comment: This variant is considered pathogenic. This variant creates a termination codon and is predicted to result in premature protein truncation.

Ambry Genetics
Classification: Pathogenic for Hereditary cancer-predisposing syndrome. Last evaluated: 2025-07-01. Review status: criteria provided, single submitter. Criteria: Ambry Variant Classification Scheme 2023. Collection method: clinical testing. Allele origin: germline.
Comment: The p.S268* pathogenic mutation (also known as c.803C>G), located in coding exon 5 of the CTNNA1 gene, results from a C to G substitution at nucleotide position 803. This changes the amino acid from a serine to a stop codon within coding exon 5. This variant is considered to be rare based on population cohorts in the Genome Aggregation Database (gnomAD). This alteration is expected to result in loss of function by premature protein truncation or nonsense-mediated mRNA decay. As such, this alteration is interpreted as a disease-causing mutation.

Labcorp Genetics (formerly Invitae), Labcorp
Classification: Pathogenic. Last evaluated: 2024-07-10. Review status: criteria provided, single submitter. Criteria: Invitae Variant Classification Sherloc (09022015). Collection method: clinical testing. Allele origin: germline.
Comment: This sequence change creates a premature translational stop signal (p.Ser268*) in the CTNNA1 gene. It is expected to result in an absent or disrupted protein product. Loss-of-function variants in CTNNA1 are known to be pathogenic (PMID: 32051609, 34425242). This variant is not present in population databases (gnomAD no frequency). This variant has not been reported in the literature in individuals affected with CTNNA1-related conditions. For these reasons, this variant has been classified as Pathogenic.

Literature cited by the submitters: PubMed 32051609 (cited by Labcorp Genetics (formerly Invitae), Labcorp); PubMed 34425242 (cited by Labcorp Genetics (formerly Invitae), Labcorp).